The following is an entry in ClinVar:

ClinVar aggregate classification (germline): Uncertain significance. Review status: criteria provided, multiple submitters, no conflicts (2 of 4 stars). 3 submissions from 3 submitters: Uncertain significance (3). Last evaluated 2025-05-01.

Conditions:
Tuberous sclerosis syndrome (TSC). Also called: Tuberous Sclerosis Complex; Tuberous sclerosis. Identifiers: Orphanet 805, MedGen C0041341, MONDO:0001734.
Hereditary cancer-predisposing syndrome. Also called: Neoplastic Syndromes, Hereditary; Hereditary neoplastic syndrome; Tumor predisposition; Hereditary Cancer Syndrome. Identifiers: Orphanet 140162, MedGen C0027672, MeSH D009386, MONDO:0015356.
Tuberous sclerosis 1 (TSC1). Identifiers: Orphanet 805, MedGen C1854465, MONDO:0008612, OMIM 191100.

Submissions (3):

Ambry Genetics
Classification: Uncertain significance for Hereditary cancer-predisposing syndrome. Last evaluated: 2025-05-01. Review status: criteria provided, single submitter. Criteria: Ambry Variant Classification Scheme 2023. Collection method: clinical testing. Allele origin: germline.
Comment: The p.Y761C variant (also known as c.2282A>G), located in coding exon 16 of the TSC1 gene, results from an A to G substitution at nucleotide position 2282. The tyrosine at codon 761 is replaced by cysteine, an amino acid with highly dissimilar properties. This amino acid position is well conserved in available vertebrate species. In addition, the in silico prediction for this alteration is inconclusive. Based on the available evidence, the clinical significance of this variant remains unclear.

Labcorp Genetics (formerly Invitae), Labcorp
Classification: Uncertain significance for Tuberous sclerosis 1. Last evaluated: 2025-02-19. Review status: criteria provided, single submitter. Criteria: Invitae Variant Classification Sherloc (09022015). Collection method: clinical testing. Allele origin: germline.
Comment: This sequence change replaces tyrosine, which is neutral and polar, with cysteine, which is neutral and slightly polar, at codon 761 of the TSC1 protein (p.Tyr761Cys). This variant is not present in population databases (gnomAD no frequency). This missense change has been observed in individual(s) with clinical features of TSC1-related conditions (internal data). ClinVar contains an entry for this variant (Variation ID: 534419). Invitae Evidence Modeling of protein sequence and biophysical properties (such as structural, functional, and spatial information, amino acid conservation, physicochemical variation, residue mobility, and thermodynamic stability) indicates that this missense variant is not expected to disrupt TSC1 protein function with a negative predictive value of 95%. In summary, the available evidence is currently insufficient to determine the role of this variant in disease. Therefore, it has been classified as a Variant of Uncertain Significance.

All of Us Research Program, National Institutes of Health
Classification: Uncertain significance for Tuberous sclerosis syndrome. Last evaluated: 2024-04-16. Review status: criteria provided, single submitter. Criteria: ACMG Guidelines, 2015. Collection method: clinical testing. Allele origin: germline. Inheritance: Autosomal dominant inheritance. Observed: 1 variant allele, 1 heterozygote.
Comment: This missense variant replaces tyrosine with cysteine at codon 761 of the TSC1 protein. Computational prediction suggests that this variant may not impact protein structure and function. To our knowledge, functional studies have not been reported for this variant. This variant has not been reported in individuals affected with TSC1-related disorders in the literature. This variant has not been identified in the general population by the Genome Aggregation Database (gnomAD). The available evidence is insufficient to determine the role of this variant in disease conclusively. Therefore, this variant is classified as a Variant of Uncertain Significance.

This study involves interpretation of variants in research participants for the purpose of population health screening. Participant phenotype was not available at the time of variant classification. Additional details can be found in publication PMID: 35346344, PMCID: PMC8962531

NM_000368.5(TSC1):c.2282A>G (p.Tyr761Cys)

Gene: TSC1 (TSC complex subunit 1; minus strand). Cytogenetic location: 9q34.13.
Variant type: single nucleotide variant.
Coding change: c.2282A>G on transcript NM_000368.5 (MANE Select); coding-DNA position 2282, A replaced by G.
Protein change: p.Tyr761Cys; replaces tyrosine 761 with cysteine.
Molecular consequence: missense variant.
Genome position (GRCh38, 1-based): chr9:132,902,714, T>C on the plus strand (A>G on the coding strand, the complement: TSC1 is on the minus strand). VCF-style: chr9-132902714-T-C. GRCh37 (hg19) VCF-style: chr9-135778101-T-C.
Other names: c.2279A>G, p.Tyr760Cys (NM_001162426.2); c.2129A>G, p.Tyr710Cys (NM_001162427.2); c.1919A>G, p.Tyr640Cys (NM_001362177.2); short protein forms Y761C, Y760C, Y710C, Y640C.
Identifiers: ClinVar variation 534419 (VCV000534419.10), dbSNP rs1554815018, ClinGen allele CA375359771.
Genomic context (GRCh38, chr9:132,902,714, plus strand): 5'-TGTCTGATCTGGCTGTGGAGCTTGGTTACCATAGTGTCACGCTGCTCCTGGAGCTGATTG[T>C]ATCTAGCTTGTTCTTTCTGCAGACTAACCTTCCACATCTGGATGTCCTTCTCTTGTAACT-3'
Protein context (NP_000359.1, residues 751-771): KVSLQKEQAR[Tyr761Cys]NQLQEQRDTM